The following is an entry in ClinVar:

ClinVar aggregate classification (germline): Pathogenic (1 of 4 stars; one submission).

Conditions:
Inborn genetic diseases. Identifiers: MedGen C0950123, MeSH D030342.

Submission:

Ambry Genetics
Classification: Pathogenic for Inborn genetic diseases. Last evaluated: 2026-03-12. Review status: criteria provided, single submitter. Criteria: Ambry Variant Classification Scheme 2023. Collection method: clinical testing. Allele origin: germline.
Comment: The c.6127G>T (p.E2043*) alteration, located in exon 12 (coding exon 11) of the ACAN gene, consists of a G to T substitution at nucleotide position 6127. This changes the amino acid from a glutamic acid (E) to a stop codon at amino acid position 2043. This alteration is expected to result in loss of function by premature protein truncation or nonsense-mediated mRNA decay. This variant was not reported in population-based cohorts in the Genome Aggregation Database (gnomAD). Based on the available evidence, this alteration is classified as pathogenic.

Literature cited by the submitters: PubMed 27870580.

NM_001369268.1(ACAN):c.6127G>T (p.Glu2043Ter)

Gene: ACAN (aggrecan; plus strand). Cytogenetic location: 15q26.1.
Variant type: single nucleotide variant.
Coding change: c.6127G>T on transcript NM_001369268.1 (MANE Select); coding-DNA position 6127, G replaced by T.
Protein change: p.Glu2043Ter; replaces glutamic acid 2043 with a stop codon.
Molecular consequence: nonsense.
Genome position (GRCh38, 1-based): chr15:88,858,712, G>T. VCF-style: chr15-88858712-G-T. GRCh37 (hg19) VCF-style: chr15-89401943-G-T.
Other names: c.6127G>T, p.Glu2043Ter (NM_001135.4, NM_013227.4); short protein forms E2043*.
Identifiers: ClinVar variation 521985 (VCV000521985.5), dbSNP rs267604368, ClinGen allele CA393726610.